The following is an entry in ClinVar:

ClinVar aggregate classification (germline): Likely pathogenic (1 of 4 stars; one submission).

Submission:

GeneDx
Classification: Likely pathogenic. Last evaluated: 2025-09-26. Review status: criteria provided, single submitter. Criteria: GeneDx Variant Classification Process June 2021. Collection method: clinical testing. Allele origin: germline. Affected: yes.
Comment: Not observed at significant frequency in large population cohorts (gnomAD); In silico analysis supports that this missense variant has a deleterious effect on protein structure/function; Has not been previously published as pathogenic or benign to our knowledge

NM_006386.5(DDX17):c.1567A>G (p.Thr523Ala)

Gene: DDX17 (DEAD-box helicase 17; minus strand). Cytogenetic location: 22q13.1.
Variant type: single nucleotide variant.
Coding change: c.1567A>G on transcript NM_006386.5 (MANE Select); coding-DNA position 1567, A replaced by G.
Protein change: p.Thr523Ala; replaces threonine 523 with alanine.
Molecular consequence: missense variant.
Genome position (GRCh38, 1-based): chr22:38,487,996, T>C on the plus strand (A>G on the coding strand, the complement: DDX17 is on the minus strand). VCF-style: chr22-38487996-T-C. GRCh37 (hg19) VCF-style: chr22-38884001-T-C.
Other names: c.1567A>G, p.Thr523Ala (NM_001098504.2); short protein forms T523A.
Identifiers: ClinVar variation 3378067 (VCV003378067.2).
Genomic context (GRCh38, chr22:38,487,996, plus strand): 5'-CCTGATTGGCCTCTTCCAGCACTTTGATAAGCTCTCTGGCCTGTTTTAGGTTCCCTGGGG[T>C]GAAGAAGGTATAGGCGGTACCCTTGTTGGTGCTACGGGCTGTTCGGCCAATACGGTGCAC-3'
Protein context (NP_006377.2, residues 513-533): TNKGTAYTFF[Thr523Ala]PGNLKQAREL